The following is an entry in ClinVar:

ClinVar aggregate classification (germline): Uncertain significance (1 of 4 stars; one submission).

Allele frequency attached by ClinVar (database versions not stated): gnomAD 0.00009; TOPMed 0.00009; ExAC 0.00012; ESP Exome Variant Server 0.00025.
gnomAD v4.1: 200 of 1,613,736 alleles (0.012%); highest among the groups gnomAD compares: Non-Finnish European, 0.016%; no homozygotes.

Submission:

Labcorp Genetics (formerly Invitae), Labcorp
Classification: Uncertain significance. Last evaluated: 2022-05-17. Review status: criteria provided, single submitter. Criteria: Invitae Variant Classification Sherloc (09022015). Collection method: clinical testing. Allele origin: germline.
Comment: In summary, the available evidence is currently insufficient to determine the role of this variant in disease. Therefore, it has been classified as a Variant of Uncertain Significance. Algorithms developed to predict the effect of missense changes on protein structure and function (SIFT, PolyPhen-2, Align-GVGD) all suggest that this variant is likely to be tolerated. This variant has not been reported in the literature in individuals affected with TENM3-related conditions. This variant is present in population databases (rs376960815, gnomAD 0.02%). This sequence change replaces isoleucine, which is neutral and non-polar, with leucine, which is neutral and non-polar, at codon 420 of the TENM3 protein (p.Ile420Leu).

NM_001080477.4(TENM3):c.1258A>C (p.Ile420Leu)

Gene: TENM3 (teneurin transmembrane protein 3; plus strand). Cytogenetic location: 4q35.1.
Variant type: single nucleotide variant.
Coding change: c.1258A>C on transcript NM_001080477.4 (MANE Select); coding-DNA position 1258, A replaced by C.
Protein change: p.Ile420Leu; replaces isoleucine 420 with leucine.
Molecular consequence: missense variant.
Genome position (GRCh38, 1-based): chr4:182,673,151, A>C. VCF-style: chr4-182673151-A-C. GRCh37 (hg19) VCF-style: chr4-183594304-A-C.
Other names: short protein forms I420L.
Identifiers: ClinVar variation 2136923 (VCV002136923.4), dbSNP rs376960815, ClinGen allele CA3147628.